The following is an entry in ClinVar:

ClinVar aggregate classification (germline): Pathogenic (1 of 4 stars; one submission).

Conditions:
Congenital dyserythropoietic anemia, type II (CDAN2). Also called: DYSERYTHROPOIETIC ANEMIA, HEMPAS TYPE. Identifiers: Orphanet 98873, MedGen C1306589, MONDO:0009134, OMIM 224100.
Cowden syndrome 7 (CWS7). Identifiers: Orphanet 201, MedGen C4225179, MONDO:0014802, OMIM 616858.

gnomAD v4.1: 5 of 1,613,920 alleles (0.00031%); highest among the groups gnomAD compares: Admixed American, 0.0083%; no homozygotes.

Submissions (2):

Labcorp Genetics (formerly Invitae), Labcorp
Classification: Pathogenic for Congenital dyserythropoietic anemia, type II; Cowden syndrome 7. Last evaluated: 2023-03-15. Review status: criteria provided, single submitter. Criteria: Invitae Variant Classification Sherloc (09022015). Collection method: clinical testing. Allele origin: germline.
Comment: For these reasons, this variant has been classified as Pathogenic. Algorithms developed to predict the effect of sequence changes on RNA splicing suggest that this variant may disrupt the consensus splice site. Disruption of this splice site has been observed in individual(s) with congenital dyserythropoietic anemia type II (PMID: 19561605, 19621418). In at least one individual the data is consistent with being in trans (on the opposite chromosome) from a pathogenic variant. This variant is present in population databases (rs398124226, gnomAD 0.006%). This sequence change affects a donor splice site in intron 6 of the SEC23B gene. It is expected to disrupt RNA splicing. Variants that disrupt the donor or acceptor splice site typically lead to a loss of protein function (PMID: 16199547), and loss-of-function variants in SEC23B are known to be pathogenic (PMID: 19561605, 25044164).

Dr. Peter K. Rogan Lab, Western University
No classification provided (evidence only). Condition: Thyroid cancer, nonmedullary, 1. Review status: no classification provided. Collection method: in vitro. Allele origin: not applicable. Functional consequence: retained intron. Not counted in ClinVar's aggregate classification.

Literature cited by the submitters: PubMed 19561605 (cited by Labcorp Genetics (formerly Invitae), Labcorp); PubMed 19621418 (cited by Labcorp Genetics (formerly Invitae), Labcorp); PubMed 16199547 (cited by Labcorp Genetics (formerly Invitae), Labcorp); PubMed 25044164 (cited by Labcorp Genetics (formerly Invitae), Labcorp).

NM_006363.6(SEC23B):c.689+1G>C

Genes: SEC23B (SEC23 homolog B, COPII component; plus strand), LOC126862987 (MED14-independent group 3 enhancer GRCh37_chr20:18504796-18505995; plus strand). Cytogenetic location: 20p11.23.
Variant type: single nucleotide variant.
Coding change: c.689+1G>C on transcript NM_006363.6 (MANE Select); the canonical splice donor site of the intron after coding-DNA position 689, G replaced by C.
Molecular consequence: splice donor variant.
Genome position (GRCh38, 1-based): chr20:18,525,021, G>C. VCF-style: chr20-18525021-G-C. GRCh37 (hg19) VCF-style: chr20-18505665-G-C.
Other names: c.689+1G>C (NM_032986.5, NM_001172745.3, NM_032985.6); c.635+1G>C (NM_001172746.3).
Identifiers: ClinVar variation 2922899 (VCV002922899.4), dbSNP rs398124226, ClinGen allele CA9778093.